The following is an entry in ClinVar:

NM_000051.4(ATM):c.1963A>G (p.Thr655Ala)

Gene: ATM (ATM serine/threonine kinase; plus strand). Cytogenetic location: 11q22.3.
Variant type: single nucleotide variant.
Coding change: c.1963A>G on transcript NM_000051.4 (MANE Select); coding-DNA position 1963, A replaced by G.
Protein change: p.Thr655Ala; replaces threonine 655 with alanine.
Molecular consequence: missense variant.
Genome position (GRCh38, 1-based): chr11:108,253,878, A>G. VCF-style: chr11-108253878-A-G. GRCh37 (hg19) VCF-style: chr11-108124605-A-G.
Other names: c.1963A>G, p.Thr655Ala (NM_001351834.2); short protein forms T655A.
Identifiers: ClinVar variation 2834044 (VCV002834044.3), dbSNP rs2135367651, ClinGen allele CA382536790.

ClinVar aggregate classification (germline): Uncertain significance (1 of 4 stars; one submission).

Conditions:
Ataxia-telangiectasia syndrome (AT). Also called: LOUIS-BAR SYNDROME; Ataxia-telangiectasia, complementation group D; ATAXIA-TELANGIECTASIA, COMPLEMENTATION GROUP A; ATAXIA-TELANGIECTASIA, FRESNO VARIANT; Ataxia-telangiectasia; Ataxia telangiectasia (A-T). Identifiers: Orphanet 100, MedGen C0004135, MONDO:0008840, OMIM 208900.

Submission:

Labcorp Genetics (formerly Invitae), Labcorp
Classification: Uncertain significance for Ataxia-telangiectasia syndrome. Last evaluated: 2024-10-07. Review status: criteria provided, single submitter. Criteria: Invitae Variant Classification Sherloc (09022015). Collection method: clinical testing. Allele origin: germline.
Comment: This sequence change replaces threonine, which is neutral and polar, with alanine, which is neutral and non-polar, at codon 655 of the ATM protein (p.Thr655Ala). This variant is not present in population databases (gnomAD no frequency). This variant has not been reported in the literature in individuals affected with ATM-related conditions. Invitae Evidence Modeling of protein sequence and biophysical properties (such as structural, functional, and spatial information, amino acid conservation, physicochemical variation, residue mobility, and thermodynamic stability) indicates that this missense variant is not expected to disrupt ATM protein function with a negative predictive value of 95%. In summary, the available evidence is currently insufficient to determine the role of this variant in disease. Therefore, it has been classified as a Variant of Uncertain Significance.